The following is an entry in ClinVar:

NM_001197104.2(KMT2A):c.1013C>T (p.Pro338Leu)

Gene: KMT2A (lysine methyltransferase 2A; plus strand). Cytogenetic location: 11q23.3.
Variant type: single nucleotide variant.
Coding change: c.1013C>T on transcript NM_001197104.2 (MANE Select); coding-DNA position 1013, C replaced by T.
Protein change: p.Pro338Leu; replaces proline 338 with leucine.
Molecular consequence: missense variant.
Genome position (GRCh38, 1-based): chr11:118,472,172, C>T. VCF-style: chr11-118472172-C-T. GRCh37 (hg19) VCF-style: chr11-118342887-C-T.
Other names: c.1112C>T, p.Pro371Leu (NM_001412597.1); c.1013C>T, p.Pro338Leu (NM_005933.4); short protein forms P338L, P371L.
Identifiers: ClinVar variation 4800518 (VCV004800518.1).

ClinVar aggregate classification (germline): Uncertain significance (1 of 4 stars; one submission).

Submission:

Labcorp Genetics (formerly Invitae), Labcorp
Classification: Uncertain significance. Last evaluated: 2025-03-16. Review status: criteria provided, single submitter. Criteria: Invitae Variant Classification Sherloc (09022015). Collection method: clinical testing. Allele origin: germline.
Comment: This sequence change replaces proline, which is neutral and non-polar, with leucine, which is neutral and non-polar, at codon 338 of the KMT2A protein (p.Pro338Leu). This variant is present in population databases (no rsID available, gnomAD 0.01%). This variant has not been reported in the literature in individuals affected with KMT2A-related conditions. Invitae Evidence Modeling of protein sequence and biophysical properties (such as structural, functional, and spatial information, amino acid conservation, physicochemical variation, residue mobility, and thermodynamic stability) has been performed for this missense variant. However, the output from this modeling did not meet the statistical confidence thresholds required to predict the impact of this variant on KMT2A protein function. In summary, the available evidence is currently insufficient to determine the role of this variant in disease. Therefore, it has been classified as a Variant of Uncertain Significance.